The following is an entry in ClinVar:

ClinVar aggregate classification (germline): Uncertain significance (1 of 4 stars; one submission).

Conditions:
Long QT syndrome (LQTS). Identifiers: MedGen C0023976, MeSH D008133, MONDO:0002442. Disease mechanism: loss of function. Inheritance: Various modes of inheritance.

gnomAD v4.1: 3 of 1,614,100 alleles (0.00019%); highest among the groups gnomAD compares: Non-Finnish European, 0.00017%; no homozygotes.

Submission:

Labcorp Genetics (formerly Invitae), Labcorp
Classification: Uncertain significance for Long QT syndrome. Last evaluated: 2025-08-13. Review status: criteria provided, single submitter. Criteria: Invitae Variant Classification Sherloc (09022015). Collection method: clinical testing. Allele origin: germline.
Comment: This sequence change replaces serine, which is neutral and polar, with glycine, which is neutral and non-polar, at codon 254 of the AKAP9 protein (p.Ser254Gly). This variant is not present in population databases (gnomAD no frequency). This variant has not been reported in the literature in individuals affected with AKAP9-related conditions. An algorithm developed to predict the effect of missense changes on protein structure and function (PolyPhen-2) suggests that this variant is likely to be disruptive. In summary, the available evidence is currently insufficient to determine the role of this variant in disease. Therefore, it has been classified as a Variant of Uncertain Significance.

NM_005751.5(AKAP9):c.760A>G (p.Ser254Gly)

Genes: AKAP9 (A-kinase anchoring protein 9; plus strand), LOC129998789 (ATAC-STARR-seq lymphoblastoid silent region 18366; plus strand). Cytogenetic location: 7q21.2.
Variant type: single nucleotide variant.
Coding change: c.760A>G on transcript NM_005751.5 (MANE Select); coding-DNA position 760, A replaced by G.
Protein change: p.Ser254Gly; replaces serine 254 with glycine.
Molecular consequence: missense variant.
Genome position (GRCh38, 1-based): chr7:91,995,630, A>G. VCF-style: chr7-91995630-A-G. GRCh37 (hg19) VCF-style: chr7-91624944-A-G.
Other names: c.760A>G, p.Ser254Gly (NM_147185.3); short protein forms S254G.
Identifiers: ClinVar variation 4766189 (VCV004766189.1).